The following is an entry in ClinVar:

NM_000179.3(MSH6):c.170C>T (p.Pro57Leu)

Gene: MSH6 (mutS homolog 6; plus strand). Cytogenetic location: 2p16.3.
Variant type: single nucleotide variant.
Coding change: c.170C>T on transcript NM_000179.3 (MANE Select); coding-DNA position 170, C replaced by T.
Protein change: p.Pro57Leu; replaces proline 57 with leucine.
Molecular consequence: missense variant. On other transcripts: 5 prime UTR variant (1).
Genome position (GRCh38, 1-based): chr2:47,783,403, C>T. VCF-style: chr2-47783403-C-T. GRCh37 (hg19) VCF-style: chr2-48010542-C-T.
Other names: c.170C>T, p.Pro57Leu (NM_001281492.2); c.-567C>T (NM_001281493.2); short protein forms P57L.
Identifiers: ClinVar variation 419118 (VCV000419118.22), dbSNP rs1064793657, ClinGen allele CA16617618.

ClinVar aggregate classification (germline): Conflicting classifications of pathogenicity. Review status: criteria provided, conflicting classifications (1 of 4 stars). 5 submissions from 5 submitters: Uncertain significance (4); Likely benign (1). Last evaluated 2025-06-18.

Conditions:
Lynch syndrome. Identifiers: Orphanet 144, MedGen C4552100, MONDO:0005835. Disease mechanism: loss of function.
Hereditary nonpolyposis colorectal neoplasms. Identifiers: MedGen C0009405, MeSH D003123.
Hereditary cancer-predisposing syndrome. Also called: Hereditary neoplastic syndrome; Tumor predisposition; Neoplastic Syndromes, Hereditary; Hereditary Cancer Syndrome. Identifiers: Orphanet 140162, MedGen C0027672, MeSH D009386, MONDO:0015356.

Submissions (5):

Ambry Genetics
Classification: Likely benign for Hereditary cancer-predisposing syndrome. Last evaluated: 2025-06-18. Review status: criteria provided, single submitter. Criteria: Ambry Variant Classification Scheme 2023. Collection method: clinical testing. Allele origin: germline.

GeneDx
Classification: Uncertain significance. Last evaluated: 2024-11-13. Review status: criteria provided, single submitter. Criteria: GeneDx Variant Classification Process June 2021. Collection method: clinical testing. Allele origin: germline. Affected: yes.
Comment: Not observed at significant frequency in large population cohorts (gnomAD); In silico analysis indicates that this missense variant does not alter protein structure/function; Observed in control individuals and not in any biliary tract cancer cases in a case control study (PMID: 36243179); This variant is associated with the following publications: (PMID: 36243179)

All of Us Research Program, National Institutes of Health
Classification: Uncertain significance for Lynch syndrome. Last evaluated: 2024-05-30. Review status: criteria provided, single submitter. Criteria: ACMG Guidelines, 2015. Collection method: clinical testing. Allele origin: germline. Inheritance: Autosomal dominant inheritance. Observed: 1 variant allele, 1 heterozygote.
Comment: This missense variant replaces proline with leucine at codon 57 of the MSH6 protein. Computational prediction suggests that this variant may not impact protein structure and function (internally defined REVEL score threshold <= 0.5, PMID: 27666373). To our knowledge, functional studies have not been reported for this variant. This variant has not been reported in individuals affected with MSH6-related disorders in the literature. This variant has not been identified in the general population by the Genome Aggregation Database (gnomAD). The available evidence is insufficient to determine the role of this variant in disease conclusively. Therefore, this variant is classified as a Variant of Uncertain Significance.

This study involves interpretation of variants in research participants for the purpose of population health screening. Participant phenotype was not available at the time of variant classification. Additional details can be found in publication PMID: 35346344, PMCID: PMC8962531

Color Diagnostics, LLC DBA Color Health
Classification: Uncertain significance for Hereditary cancer-predisposing syndrome. Last evaluated: 2024-04-25. Review status: criteria provided, single submitter. Criteria: ACMG Guidelines, 2015. Collection method: clinical testing. Allele origin: germline.
Comment: This missense variant replaces proline with leucine at codon 57 of the MSH6 protein. Computational prediction suggests that this variant may not impact protein structure and function (internally defined REVEL score threshold <= 0.5, PMID: 27666373). To our knowledge, functional studies have not been reported for this variant. This variant has not been reported in individuals affected with MSH6-related disorders in the literature. This variant has not been identified in the general population by the Genome Aggregation Database (gnomAD). The available evidence is insufficient to determine the role of this variant in disease conclusively. Therefore, this variant is classified as a Variant of Uncertain Significance.

Labcorp Genetics (formerly Invitae), Labcorp
Classification: Uncertain significance for Hereditary nonpolyposis colorectal neoplasms. Last evaluated: 2023-11-27. Review status: criteria provided, single submitter. Criteria: Invitae Variant Classification Sherloc (09022015). Collection method: clinical testing. Allele origin: germline.
Comment: This sequence change replaces proline, which is neutral and non-polar, with leucine, which is neutral and non-polar, at codon 57 of the MSH6 protein (p.Pro57Leu). This variant is not present in population databases (gnomAD no frequency). This missense change has been observed in individual(s) with biliary tract cancer (PMID: 36243179). ClinVar contains an entry for this variant (Variation ID: 419118). Advanced modeling of protein sequence and biophysical properties (such as structural, functional, and spatial information, amino acid conservation, physicochemical variation, residue mobility, and thermodynamic stability) performed at Invitae indicates that this missense variant is not expected to disrupt MSH6 protein function with a negative predictive value of 95%. In summary, the available evidence is currently insufficient to determine the role of this variant in disease. Therefore, it has been classified as a Variant of Uncertain Significance.

Literature cited by the submitters: PubMed 36243179 (cited by Labcorp Genetics (formerly Invitae), Labcorp).